The following is an entry in ClinVar:

NM_053276.4(VIT):c.630C>T (p.Thr210=)

Gene: VIT (vitrin; plus strand). Cytogenetic location: 2p22.2.
Variant type: single nucleotide variant.
Coding change: c.630C>T on transcript NM_053276.4 (MANE Select); coding-DNA position 630, C replaced by T.
Protein change: p.Thr210=; no amino-acid change (threonine 210 retained).
Molecular consequence: synonymous variant. On other transcripts: intron variant (4).
Genome position (GRCh38, 1-based): chr2:36,767,236, C>T. VCF-style: chr2-36767236-C-T. GRCh37 (hg19) VCF-style: chr2-36994379-C-T.
Other names: c.488-6555C>T (NM_001391968.1, NM_001391969.1, NM_001391966.1 and 1 more transcripts); c.630C>T, p.Thr210= (NM_001177969.2, NM_001177970.2, NM_001177971.2 and 2 more transcripts).
Identifiers: ClinVar variation 2650827 (VCV002650827.24), dbSNP rs149089705, ClinGen allele CA1611488.

ClinVar aggregate classification (germline): Likely benign (1 of 4 stars; one submission).

Allele frequency attached by ClinVar (database versions not stated): gnomAD 0.00002; TOPMed 0.00002; ExAC 0.00003; ESP Exome Variant Server 0.00015.
gnomAD v4.1: 99 of 1,600,668 alleles (0.0062%); highest among the groups gnomAD compares: Non-Finnish European, 0.0079%; no homozygotes.

Submission:

CeGaT Center for Human Genetics Tuebingen
Classification: Likely benign. Last evaluated: 2022-03-01. Review status: criteria provided, single submitter. Criteria: CeGaT Center For Human Genetics Tuebingen Variant Classification Criteria Version 2. Collection method: clinical testing. Allele origin: germline. Affected: yes. Observed: 1 variant allele.
Comment: VIT: BP4, BP7